The following is an entry in ClinVar:

NM_001291303.3(FAT4):c.12823-4A>G

Gene: FAT4 (FAT atypical cadherin 4; plus strand). Cytogenetic location: 4q28.1.
Variant type: single nucleotide variant.
Coding change: c.12823-4A>G on transcript NM_001291303.3 (MANE Select); 4 bases into the intron before coding-DNA position 12823, A replaced by G.
Molecular consequence: intron variant.
Genome position (GRCh38, 1-based): chr4:125,487,341, A>G. VCF-style: chr4-125487341-A-G. GRCh37 (hg19) VCF-style: chr4-126408496-A-G.
Other names: c.12823-4A>G (NM_001291285.3); c.12817-4A>G (NM_024582.6, NM_024582.4).
Identifiers: ClinVar variation 2955615 (VCV002955615.4), dbSNP rs374685016, ClinGen allele CA3074209.
Genomic context (GRCh38, chr4:125,487,341, plus strand): 5'-GTTAATGATTTTTATTTAAGCATACCATATTTTAATTGCATACTATTTTTAATATGTTTT[A>G]CAGATTAAGAATGGCAAAGTATATTTTACATCCGATGCAGGAATTGCTGGGAAAGTGGAG-3'

ClinVar aggregate classification (germline): Likely benign. Review status: criteria provided, multiple submitters, no conflicts (2 of 4 stars). 2 submissions from 2 submitters: Likely benign (2). Last evaluated 2026-08-04.

Conditions:
FAT4-related disorder. Also called: FAT4-related condition.

Allele frequency attached by ClinVar (database versions not stated): ExAC 0.00001; TOPMed 0.00001; gnomAD 0.00002; gnomAD exomes 0.00002; ESP Exome Variant Server 0.00008.
gnomAD v4.1: 36 of 1,606,674 alleles (0.0022%); highest among the groups gnomAD compares: Non-Finnish European, 0.0028%; no homozygotes.

Submissions (2):

PreventionGenetics, part of Exact Sciences
Classification: Likely benign for FAT4-related condition. Last evaluated: 2026-08-04. Review status: criteria provided, single submitter. Criteria: ACMG Guidelines, 2015. Collection method: clinical testing. Allele origin: germline.
Comment: This variant is classified as likely benign based on ACMG/AMP sequence variant interpretation guidelines (Richards et al. 2015 PMID: 25741868, with internal and published modifications).

Labcorp Genetics (formerly Invitae), Labcorp
Classification: Likely benign. Last evaluated: 2024-12-23. Review status: criteria provided, single submitter. Criteria: Invitae Variant Classification Sherloc (09022015). Collection method: clinical testing. Allele origin: germline.